The following is an entry in ClinVar:

ClinVar aggregate classification (germline): Uncertain significance (1 of 4 stars; one submission).

Conditions:
Cardiovascular phenotype. Identifiers: MedGen CN230736.

Allele frequency attached by ClinVar (database versions not stated): gnomAD 0.00001; ExAC 0.00002.
gnomAD v4.1: 16 of 1,613,954 alleles (0.00099%); highest among the groups gnomAD compares: African/African-American, 0.0013%; no homozygotes.

Submission:

Ambry Genetics
Classification: Uncertain significance for Cardiovascular phenotype. Last evaluated: 2024-12-28. Review status: criteria provided, single submitter. Criteria: Ambry Variant Classification Scheme 2023. Collection method: clinical testing. Allele origin: germline.
Comment: The p.S3482R variant (also known as c.10446C>A), located in coding exon 26 of the APOB gene, results from a C to A substitution at nucleotide position 10446. The serine at codon 3482 is replaced by arginine, an amino acid with dissimilar properties. This amino acid position is conserved. In addition, this alteration is predicted to be tolerated by in silico analysis. Since supporting evidence is limited at this time, the clinical significance of this alteration remains unclear.

NM_000384.3(APOB):c.10446C>A (p.Ser3482Arg)

Gene: APOB (apolipoprotein B; minus strand). Cytogenetic location: 2p24.1.
Variant type: single nucleotide variant.
Coding change: c.10446C>A on transcript NM_000384.3 (MANE Select); coding-DNA position 10446, C replaced by A.
Protein change: p.Ser3482Arg; replaces serine 3482 with arginine.
Molecular consequence: missense variant.
Genome position (GRCh38, 1-based): chr2:21,006,422, G>T on the plus strand (C>A on the coding strand, the complement: APOB is on the minus strand). VCF-style: chr2-21006422-G-T. GRCh37 (hg19) VCF-style: chr2-21229294-G-T.
Other names: short protein forms S3482R.
Identifiers: ClinVar variation 1774866 (VCV001774866.3), dbSNP rs777249279, ClinGen allele CA043540.